The following is an entry in ClinVar:

ClinVar aggregate classification (germline): Uncertain significance (1 of 4 stars; one submission).

gnomAD v4.1: 4 of 1,556,904 alleles (0.00026%); highest among the groups gnomAD compares: Admixed American, 0.0038%; no homozygotes.

Submission:

Labcorp Genetics (formerly Invitae), Labcorp
Classification: Uncertain significance. Last evaluated: 2022-03-19. Review status: criteria provided, single submitter. Criteria: Invitae Variant Classification Sherloc (09022015). Collection method: clinical testing. Allele origin: germline.
Comment: In summary, the available evidence is currently insufficient to determine the role of this variant in disease. Therefore, it has been classified as a Variant of Uncertain Significance. Algorithms developed to predict the effect of sequence changes on RNA splicing suggest that this variant may disrupt the consensus splice site. This variant has not been reported in the literature in individuals affected with CACNA2D4-related conditions. This variant is present in population databases (rs760153616, gnomAD 0.008%). This sequence change affects an acceptor splice site in intron 34 of the CACNA2D4 gene. It is expected to disrupt RNA splicing. Variants that disrupt the donor or acceptor splice site typically lead to a loss of protein function (PMID: 16199547), however the current clinical and genetic evidence is not sufficient to establish whether loss-of-function variants in CACNA2D4 cause disease.

Literature cited by the submitters: PubMed 16199547.

NM_172364.5(CACNA2D4):c.2996-2A>T

Gene: CACNA2D4 (calcium voltage-gated channel auxiliary subunit alpha2delta 4; minus strand). Cytogenetic location: 12p13.33.
Variant type: single nucleotide variant.
Coding change: c.2996-2A>T on transcript NM_172364.5 (MANE Select); the canonical splice acceptor site of the intron before coding-DNA position 2996, A replaced by T.
Molecular consequence: splice acceptor variant.
Genome position (GRCh38, 1-based): chr12:1,797,537, T>A on the plus strand (A>T on the coding strand, the complement: CACNA2D4 is on the minus strand). VCF-style: chr12-1797537-T-A. GRCh37 (hg19) VCF-style: chr12-1906703-T-A.
Identifiers: ClinVar variation 2073136 (VCV002073136.4), dbSNP rs760153616, ClinGen allele CA6386090.